The following is an entry in ClinVar:

NM_001256317.3(TMPRSS3):c.1224G>C (p.Glu408Asp)

Gene: TMPRSS3 (transmembrane serine protease 3; minus strand). Cytogenetic location: 21q22.3.
Variant type: single nucleotide variant.
Coding change: c.1224G>C on transcript NM_001256317.3 (MANE Select); coding-DNA position 1224, G replaced by C.
Protein change: p.Glu408Asp; replaces glutamic acid 408 with aspartic acid.
Molecular consequence: missense variant.
Genome position (GRCh38, 1-based): chr21:42,375,836, C>G on the plus strand (G>C on the coding strand, the complement: TMPRSS3 is on the minus strand). VCF-style: chr21-42375836-C-G. GRCh37 (hg19) VCF-style: chr21-43795945-C-G.
Other names: c.1227G>C, p.Glu409Asp (NM_024022.4); c.846G>C, p.Glu282Asp (NM_032404.3); short protein forms E282D, E408D, E409D.
Identifiers: ClinVar variation 2225486 (VCV002225486.3), dbSNP rs1337134883, ClinGen allele CA410368985.

ClinVar aggregate classification (germline): Uncertain significance. Review status: criteria provided, multiple submitters, no conflicts (2 of 4 stars). 2 submissions from 2 submitters: Uncertain significance (2). Last evaluated 2025-10-02.

Conditions:
TMPRSS3-related disorder. Also called: TMPRSS3-related condition.
Inborn genetic diseases. Identifiers: MedGen C0950123, MeSH D030342.

Allele frequency attached by ClinVar (database versions not stated): gnomAD exomes below 0.00001; TOPMed below 0.00001.

Submissions (2):

PreventionGenetics, part of Exact Sciences
Classification: Uncertain significance for TMPRSS3-related condition. Last evaluated: 2025-10-02. Review status: criteria provided, single submitter. Criteria: ACMG Guidelines, 2015. Collection method: clinical testing. Allele origin: germline.
Comment: The TMPRSS3 c.1227G>C variant is predicted to result in the amino acid substitution p.Glu409Asp. To our knowledge, this variant has not been reported in the literature. This variant is reported in 0.0029% of alleles in individuals of Latino descent in gnomAD. At this time, the clinical significance of this variant is uncertain due to the absence of conclusive functional and genetic evidence.

Ambry Genetics
Classification: Uncertain significance for Inborn genetic diseases. Last evaluated: 2022-06-03. Review status: criteria provided, single submitter. Criteria: Ambry Variant Classification Scheme 2023. Collection method: clinical testing. Allele origin: germline.